The following is an entry in ClinVar:

ClinVar aggregate classification (germline): Uncertain significance (1 of 4 stars; one submission).

Conditions:
Pityriasis rubra pilaris (PRP). Also called: Pityriasis rubra pilaris--familial type. Identifiers: Orphanet 2897, MedGen C0032027, MONDO:0100017, OMIM 173200, MONDO:0008251.
Psoriasis 2. Identifiers: MedGen C1864497, MONDO:0011269, OMIM 602723.

Allele frequency attached by ClinVar (database versions not stated): gnomAD exomes 0.00001.
gnomAD v4.1: 3 of 1,554,500 alleles (0.00019%); highest among the groups gnomAD compares: Admixed American, 0.002%; no homozygotes.

Submission:

Labcorp Genetics (formerly Invitae), Labcorp
Classification: Uncertain significance for Pityriasis rubra pilaris; Psoriasis 2. Last evaluated: 2024-10-07. Review status: criteria provided, single submitter. Criteria: Invitae Variant Classification Sherloc (09022015). Collection method: clinical testing. Allele origin: germline.
Comment: This sequence change replaces glutamic acid, which is acidic and polar, with lysine, which is basic and polar, at codon 957 of the CARD14 protein (p.Glu957Lys). This variant is present in population databases (no rsID available, gnomAD 0.004%). This variant has not been reported in the literature in individuals affected with CARD14-related conditions. ClinVar contains an entry for this variant (Variation ID: 841025). Invitae Evidence Modeling of protein sequence and biophysical properties (such as structural, functional, and spatial information, amino acid conservation, physicochemical variation, residue mobility, and thermodynamic stability) has been performed for this missense variant. However, the output from this modeling did not meet the statistical confidence thresholds required to predict the impact of this variant on CARD14 protein function. In summary, the available evidence is currently insufficient to determine the role of this variant in disease. Therefore, it has been classified as a Variant of Uncertain Significance.

NM_001366385.1(CARD14):c.2869G>A (p.Glu957Lys)

Genes: SGSH (N-sulfoglucosamine sulfohydrolase; minus strand), CARD14 (caspase recruitment domain family member 14; plus strand). Cytogenetic location: 17q25.3.
Variant type: single nucleotide variant.
Coding change: c.2869G>A on transcript NM_001366385.1 (MANE Select); coding-DNA position 2869, G replaced by A.
Protein change: p.Glu957Lys; replaces glutamic acid 957 with lysine.
Molecular consequence: missense variant. On other transcripts: non-coding transcript variant (1).
Genome position (GRCh38, 1-based): chr17:80,208,199, G>A. VCF-style: chr17-80208199-G-A. GRCh37 (hg19) VCF-style: chr17-78181998-G-A.
Other names: c.2869G>A, p.Glu957Lys (NM_024110.4); short protein forms E957K.
Identifiers: ClinVar variation 841025 (VCV000841025.10), dbSNP rs1240011102, ClinGen allele CA401357254.
Genomic context (GRCh38, chr17:80,208,199, plus strand): 5'-AAGGGCCTACAGCGGTTGGGCACCTCAGAGGAGCAGCTCCTGGAGGCTGCGAGGCAGGAG[G>A]AGGGAGACCTGGACCGGGCGCCCTGTCTATACAGCAGCCTGGCTCCTGACGGCTGGAGCG-3'
Protein context (NP_001353314.1, residues 947-967): EQLLEAARQE[Glu957Lys]GDLDRAPCLY